The following is an entry in ClinVar:

NM_080911.3(UNG):c.392del (p.Pro131fs)

Gene: UNG (uracil DNA glycosylase; plus strand). Cytogenetic location: 12q24.11.
Variant type: Deletion.
Coding change: c.392del on transcript NM_080911.3 (MANE Select); coding-DNA position 392, one base deleted (C; older notation c.392delC).
Protein change: p.Pro131fs; shifts the reading frame from proline 131.
Molecular consequence: frameshift variant.
Genome position (GRCh38, 1-based): chr12:109,099,241, C deleted; the last of 5 consecutive C bases (chr12:109,099,237-109,099,241); deleting any one gives the same sequence. VCF-style (leftmost placement, unchanged base first): chr12-109099236-AC-A. GRCh37 (hg19) VCF-style: chr12-109537041-AC-A.
Other names: c.365del, p.Pro122fs (NM_003362.4); short protein forms P122fs, P131fs.
Identifiers: ClinVar variation 12290 (VCV000012290.6), dbSNP rs778896112, ClinGen allele CA6772596.

ClinVar aggregate classification (germline): Pathogenic/Likely pathogenic. Review status: criteria provided, multiple submitters, no conflicts (2 of 4 stars). 3 submissions from 3 submitters: Pathogenic (1); Likely pathogenic (1). 1 of the submissions does not count toward it. Last evaluated 2024-11-07.

Conditions:
UNG-related disorder. Also called: UNG-related condition.
Hyper-IgM syndrome type 5 (HIGM5). Also called: Hyper-IgM Immunodeficiency Syndrome, Type 5. Identifiers: Orphanet 101092, MedGen C1720958, MONDO:0011971, OMIM 608106.

Submissions (3):

Blueprint Genetics
Classification: Likely pathogenic for UNG-related disorders. Last evaluated: 2024-11-07. Review status: criteria provided, single submitter. Criteria: ACMG Guidelines, 2015. Collection method: clinical testing. Allele origin: germline. Affected: yes. Observed: 2 variant alleles.

Labcorp Genetics (formerly Invitae), Labcorp
Classification: Pathogenic for Hyper-IgM syndrome type 5. Last evaluated: 2022-10-27. Review status: criteria provided, single submitter. Criteria: Invitae Variant Classification Sherloc (09022015). Collection method: clinical testing. Allele origin: germline.
Comment: For these reasons, this variant has been classified as Pathogenic. ClinVar contains an entry for this variant (Variation ID: 12290). This variant is also known as 462C del. This premature translational stop signal has been observed in individual(s) with hyper IgM syndrome. (PMID: 12958596). This variant is present in population databases (rs778896112, gnomAD 0.005%). This sequence change creates a premature translational stop signal (p.Pro131Hisfs*13) in the UNG gene. It is expected to result in an absent or disrupted protein product. Loss-of-function variants in UNG are known to be pathogenic (PMID: 12958596).

OMIM
Classification: Pathogenic for IMMUNODEFICIENCY WITH HYPER-IgM, TYPE 5. Last evaluated: 2003-10-01. Review status: no assertion criteria provided. Collection method: literature only. Allele origin: germline. Not counted in ClinVar's aggregate classification.

Literature cited by the submitters: PubMed 12958596 (cited by Labcorp Genetics (formerly Invitae), Labcorp and OMIM).